The following is an entry in ClinVar:

NM_001349232.2(ATG7):c.976A>C (p.Lys326Gln)

Gene: ATG7 (autophagy related 7; plus strand). Cytogenetic location: 3p25.3.
Variant type: single nucleotide variant.
Coding change: c.976A>C on transcript NM_001349232.2 (MANE Select); coding-DNA position 976, A replaced by C.
Protein change: p.Lys326Gln; replaces lysine 326 with glutamine.
Molecular consequence: missense variant.
Genome position (GRCh38, 1-based): chr3:11,340,731, A>C. VCF-style: chr3-11340731-A-C. GRCh37 (hg19) VCF-style: chr3-11382205-A-C.
Other names: c.976A>C, p.Lys326Gln (NM_001136031.3, NM_001349233.2, NM_001349234.2 and 3 more transcripts); c.859A>C, p.Lys287Gln (NM_001144912.2, NM_001349236.2); c.43A>C, p.Lys15Gln (NM_001349238.2); short protein forms K287Q, K15Q, K326Q.
Identifiers: ClinVar variation 734811 (VCV000734811.28), dbSNP rs144415880, ClinGen allele CA2255941.

ClinVar aggregate classification (germline): Benign/Likely benign. Review status: criteria provided, multiple submitters, no conflicts (2 of 4 stars). 3 submissions from 3 submitters: Benign (2); Likely benign (1). Last evaluated 2026-09-01.

Allele frequency attached by ClinVar (database versions not stated): gnomAD exomes 0.00041 and 0.00096; ExAC 0.00122; gnomAD 0.00368 and 0.00401; TOPMed 0.00409; 1000 Genomes Project 0.00439; 1000 Genomes Project 30x 0.00453; ESP Exome Variant Server 0.00454.
gnomAD v4.1: 1,157 of 1,612,870 alleles (0.072%); highest among the groups gnomAD compares: African/African-American, 1.2%; 9 homozygotes.

Submissions (3):

CeGaT Center for Human Genetics Tuebingen
Classification: Likely benign. Last evaluated: 2026-09-01. Review status: criteria provided, single submitter. Criteria: CeGaT Center For Human Genetics Tuebingen Variant Classification Criteria Version 2. Collection method: clinical testing. Allele origin: germline. Affected: yes. Observed: 5 variant alleles.
Comment: ATG7: BS1

Labcorp Genetics (formerly Invitae), Labcorp
Classification: Benign. Last evaluated: 2018-02-16. Review status: criteria provided, single submitter. Criteria: Invitae Variant Classification Sherloc (09022015). Collection method: clinical testing. Allele origin: germline.

Breakthrough Genomics
Classification: Benign. Review status: criteria provided, single submitter. Criteria: ACMG Guidelines, 2015. Collection method: not provided. Allele origin: germline. Inheritance: Autosomal recessive inheritance. Affected: yes.